The following is an entry in ClinVar:

ClinVar aggregate classification (germline): Uncertain significance (1 of 4 stars; one submission).

Submission:

GeneDx
Classification: Uncertain significance. Last evaluated: 2026-04-16. Review status: criteria provided, single submitter. Criteria: GeneDx Variant Classification Process June 2021. Collection method: clinical testing. Allele origin: germline.
Comment: Not observed at significant frequency in large population cohorts (gnomAD); In silico analysis suggests that this missense variant does not alter protein structure/function; Has not been previously published as pathogenic or benign to our knowledge

NM_001372044.2(SHANK3):c.4280C>T (p.Ala1427Val)

Gene: SHANK3 (SH3 and multiple ankyrin repeat domains 3; plus strand). Cytogenetic location: 22q13.33.
Variant type: single nucleotide variant.
Coding change: c.4280C>T on transcript NM_001372044.2 (MANE Select); coding-DNA position 4280, C replaced by T.
Protein change: p.Ala1427Val; replaces alanine 1427 with valine.
Molecular consequence: missense variant.
Genome position (GRCh38, 1-based): chr22:50,721,888, C>T. VCF-style: chr22-50721888-C-T. GRCh37 (hg19) VCF-style: chr22-51160316-C-T.
Other names: c.4055C>T (NM_033517.1); short protein forms A1427V.
Identifiers: ClinVar variation 5037726 (VCV005037726.1).